The following is an entry in ClinVar:

NM_000053.4(ATP7B):c.176C>G (p.Thr59Ser)

Gene: ATP7B (ATPase copper transporting beta; minus strand). Cytogenetic location: 13q14.3.
Variant type: single nucleotide variant.
Coding change: c.176C>G on transcript NM_000053.4 (MANE Select); coding-DNA position 176, C replaced by G.
Protein change: p.Thr59Ser; replaces threonine 59 with serine.
Molecular consequence: missense variant.
Genome position (GRCh38, 1-based): chr13:51,975,044, G>C on the plus strand (C>G on the coding strand, the complement: ATP7B is on the minus strand). VCF-style: chr13-51975044-G-C. GRCh37 (hg19) VCF-style: chr13-52549180-G-C.
Other names: c.176C>G, p.Thr59Ser (NM_001005918.3, NM_001243182.2, NM_001330578.2 and 30 more transcripts); c.80C>G, p.Thr27Ser (NM_001406517.1, NM_001406518.1, NM_001406530.1 and 4 more transcripts); short protein forms T27S, T59S.
Identifiers: ClinVar variation 3072620 (VCV003072620.1), dbSNP rs768112104, ClinGen allele CA388045120.
Genomic context (GRCh38, chr13:51,975,044, plus strand): 5'-CTGTCCTCAATGGACTTCACACATGACTGGCAAGTCATGCCCAAGATCCTGACTGTGCTG[G>C]TGGCCACCTGAGAAGAAGGGCCCAGGCCATCCAGACCACCTTCATAGCCAACATTGTCAA-3'
Protein context (NP_000044.2, residues 49-69): DGLGPSSQVA[Thr59Ser]STVRILGMTC

ClinVar aggregate classification (germline): Uncertain significance (1 of 4 stars; one submission).

Conditions:
Wilson disease (WND). Also called: Wilson's disease. Identifiers: Orphanet 905, MedGen C0019202, MONDO:0010200, OMIM 277900. Disease mechanism: loss of function.

Submission:

All of Us Research Program, National Institutes of Health
Classification: Uncertain significance for Wilson disease. Last evaluated: 2024-01-11. Review status: criteria provided, single submitter. Criteria: ACMG Guidelines, 2015. Collection method: clinical testing. Allele origin: germline. Inheritance: Autosomal recessive inheritance. Observed: 2 variant alleles, 2 heterozygotes.
Comment: This study involves interpretation of variants in research participants for the purpose of population health screening. Participant phenotype was not available at the time of variant classification. Additional details can be found in publication PMID: 35346344, PMCID: PMC8962531